The following is an entry in ClinVar:

NM_138927.4(SON):c.1303G>A (p.Val435Met)

Gene: SON (SON DNA and RNA binding protein; plus strand). Cytogenetic location: 21q22.11.
Variant type: single nucleotide variant.
Coding change: c.1303G>A on transcript NM_138927.4 (MANE Select); coding-DNA position 1303, G replaced by A.
Protein change: p.Val435Met; replaces valine 435 with methionine.
Molecular consequence: missense variant. On other transcripts: non-coding transcript variant (1), intron variant (1).
Genome position (GRCh38, 1-based): chr21:33,550,534, G>A. VCF-style: chr21-33550534-G-A. GRCh37 (hg19) VCF-style: chr21-34922840-G-A.
Other names: c.1303G>A, p.Val435Met (NM_138926.1, NM_001291411.2, NM_001412133.1 and 2 more transcripts); c.244+4155G>A (NM_001291412.3); short protein forms V435M.
Identifiers: ClinVar variation 2860471 (VCV002860471.3), dbSNP rs555774690, ClinGen allele CA410153538.

ClinVar aggregate classification (germline): Uncertain significance (1 of 4 stars; one submission).

Submission:

Labcorp Genetics (formerly Invitae), Labcorp
Classification: Uncertain significance. Last evaluated: 2023-06-01. Review status: criteria provided, single submitter. Criteria: Invitae Variant Classification Sherloc (09022015). Collection method: clinical testing. Allele origin: germline.
Comment: This variant is not present in population databases (gnomAD no frequency). This sequence change replaces valine, which is neutral and non-polar, with methionine, which is neutral and non-polar, at codon 435 of the SON protein (p.Val435Met). This variant has not been reported in the literature in individuals affected with SON-related conditions. In summary, the available evidence is currently insufficient to determine the role of this variant in disease. Therefore, it has been classified as a Variant of Uncertain Significance. An algorithm developed to predict the effect of missense changes on protein structure and function (PolyPhen-2) suggests that this variant is likely to be disruptive.